The following is an entry in ClinVar:

NM_000018.4(ACADVL):c.889_891del (p.Glu297del)

Gene: ACADVL (acyl-CoA dehydrogenase very long chain; plus strand). Cytogenetic location: 17p13.1.
Variant type: Deletion.
Coding change: c.889_891del on transcript NM_000018.4 (MANE Select); coding-DNA positions 889 to 891, 3 bases deleted (GAG; older notation c.889_891delGAG).
Protein change: p.Glu297del; deletes glutamic acid 297.
Molecular consequence: inframe deletion.
Genome position (GRCh38, 1-based): chr17:7,222,677-7,222,679, GAG deleted. VCF-style (leftmost placement, unchanged base first): chr17-7222676-TGAG-T. GRCh37 (hg19) VCF-style: chr17-7125995-TGAG-T.
Other names: c.889_891delGAG (NM_000018.3); c.823_825del, p.Glu275del (NM_001033859.3); c.958_960del, p.Glu320del (NM_001270447.2); c.661_663del, p.Glu221del (NM_001270448.2); short protein forms E297del, E221del, E275del, E320del.
Identifiers: ClinVar variation 203590 (VCV000203590.20), dbSNP rs796051914, ClinGen allele CA312285.
Genomic context (GRCh38, chr17:7,222,676, plus strand): 5'-AGTGACAACCTGTTGAACACACCTCTGCTTTCCCACACTGCCCTGACACAGTGGGCCCCC[TGAG>T]AAGAAGATGGGCATCAAGGCTTCAAACACAGCAGAGGTGTTCTTTGATGGAGTACGGGTG-3'

ClinVar aggregate classification (germline): Conflicting classifications of pathogenicity. Review status: criteria provided, conflicting classifications (1 of 4 stars). 5 submissions from 5 submitters: Pathogenic (1); Likely pathogenic (2); Uncertain significance (2). Last evaluated 2025-07-19.

Conditions:
Very long chain acyl-CoA dehydrogenase deficiency (ACADVLD). Also called: Very Long-Chain Acyl-Coenzyme A Dehydrogenase Deficiency; VLCAD Deficiency. Identifiers: Orphanet 26793, MedGen C3887523, MONDO:0008723, OMIM 201475.

Allele frequency attached by ClinVar (database versions not stated): gnomAD exomes below 0.00001 and 0.00001.

Submissions (5):

Natera, Inc.
Classification: Likely pathogenic for Very long chain acyl-CoA dehydrogenase deficiency. Last evaluated: 2025-07-19. Review status: criteria provided, single submitter. Criteria: Natera Variant Classification Schema (03/2026). Collection method: clinical testing. Allele origin: germline.
Comment: The c.889_891delGAG variant in ACADVL is an in-frame deletion predicted to remove glutamic acid at amino acid 297 while preserving the reading frame. This variant is rare in the general population with a frequency below the threshold expected for the associated phenotype(s). This variant has been observed in one or more individuals affected with the associated recessive disease, as either homozygous or compound heterozygous with a second variant (PMID: 25456746, 27246109). This variant results in a change to the protein length while preserving reading frame, which may disrupt normal protein structure or function. Computational prediction algorithms indicate this variant is likely to affect gene or protein function. Given the available evidence, this variant is classified as Likely Pathogenic.

ARUP Laboratories, Molecular Genetics and Genomics, ARUP Laboratories
Classification: Pathogenic for Very long chain acyl-CoA dehydrogenase deficiency. Last evaluated: 2025-04-07. Review status: criteria provided, single submitter. Criteria: ARUP Molecular Germline Variant Investigation Process 2024. Collection method: clinical testing. Allele origin: germline.
Comment: The ACADVL c.889_891delGAG; p.Glu297del variant (rs796051914), also known as Glu257del, deletes three nucleotides and results in an in-frame deletion of a single glutamate residue. This variant has been reported in a patient with a confirmed diagnosis of VLCAD deficiency who was also heterozygous for another ACADVL variant (Brown 2014), and is reported as a recurrent variant in positive newborn screening for VLCAD deficiency (Miller 2015). Furthermore, other single amino acid deletions (Glu130del, Glu277del, Lys299del) have been reported in association with VLCAD deficiency (Miller 2015, Pena 2016). The p.Glu297del variant is reported in ClinVar (Variation ID: 203590). It is only found on one allele in the Genome Aggregation Database, indicating it is not a common polymorphism. Based on available information, this variant is considered to be pathogenic. References: Brown A et al. Neurodevelopmental profiles of children with very long chain acyl-CoA dehydrogenase deficiency diagnosed by newborn screening. Mol Genet Metab. 2014 Dec;113(4):278-82. PMID: 25456746. Miller MJ et al. Recurrent ACADVL molecular findings in individuals with a positive newborn screen for very long chain acyl-coA dehydrogenase (VLCAD) deficiency in the United States. Mol Genet Metab. 2015 Nov;116(3):139-45. PMID: 26385305. Pena LD et al. Outcomes and genotype-phenotype correlations in 52 individuals with VLCAD deficiency diagnosed by NBS and enrolled in the IBEM-IS database. Mol Genet Metab. 2016 Aug;118(4):272-81. PMID: 27209629.

Labcorp Genetics (formerly Invitae), Labcorp
Classification: Uncertain significance for Very long chain acyl-CoA dehydrogenase deficiency. Last evaluated: 2021-10-10. Review status: criteria provided, single submitter. Criteria: Invitae Variant Classification Sherloc (09022015). Collection method: clinical testing. Allele origin: germline.
Comment: This variant, c.889_891del, results in the deletion of 1 amino acid(s) of the ACADVL protein (p.Glu297del), but otherwise preserves the integrity of the reading frame. This variant is not present in population databases (ExAC no frequency). This variant has been observed in individual(s) with very long chain acyl-CoA dehydrogenase deficiency (PMID: 25456746, 26385305). ClinVar contains an entry for this variant (Variation ID: 203590). Experimental studies and prediction algorithms are not available or were not evaluated, and the functional significance of this variant is currently unknown. In summary, the available evidence is currently insufficient to determine the role of this variant in disease. Therefore, it has been classified as a Variant of Uncertain Significance.

Wong Mito Lab, Molecular and Human Genetics, Baylor College of Medicine
Classification: Uncertain significance for Very long chain acyl-CoA dehydrogenase deficiency. Last evaluated: 2019-11-01. Review status: criteria provided, single submitter. Criteria: ACMG Guidelines, 2015. Collection method: clinical testing. Allele origin: germline.
Comment: The NM_000018.3:c.889_891delGAG (NP_000009.1:p.Glu297del) [GRCH38: NC_000017.11:g.7222677_7222679del] variant in ACADVL gene is interpretated to be Uncertain Significance based on ACMG guidelines (PMID: 25741868). This variant has been reported. This variant meets the following evidence codes reported in the ACMG guidelines: PP3

GeneDx
Classification: Likely pathogenic. Last evaluated: 2017-02-16. Review status: criteria provided, single submitter. Criteria: GeneDx Variant Classification (06012015). Collection method: clinical testing. Allele origin: germline. Affected: yes.
Comment: The c.889_891delGAG variant has been reported in an individual with very long chain acyl-CoA dehydrogenase (VLCAD) deficiency who was heterozygous for another variant in the ACADVL gene (Brown et al., 2014). The c.889_891delGAG variant causes the loss of a single Glutamic Acid residue at amino acid position 297, denoted p.Glu297del. The Glu297 amino acid is a highly conserved residue that is located in a functional region of the ACADVL protein. Other deletions of single amino acids (p.Glu130del, p.Lys299del) have been reported in association with VLCAD deficiency (Souri et al., 1996). Therefore we interpret c.889_891delGAG to be a likely pathogenic variant.

Literature cited by the submitters: PubMed 25456746 (cited by Natera, Inc. and Labcorp Genetics (formerly Invitae), Labcorp); PubMed 27246109 (cited by Natera, Inc.); PubMed 26385305 (cited by Labcorp Genetics (formerly Invitae), Labcorp).